The following is an entry in ClinVar:

ClinVar aggregate classification (germline): Uncertain significance (1 of 4 stars; one submission).

Submission:

GeneDx
Classification: Uncertain significance. Last evaluated: 2025-08-05. Review status: criteria provided, single submitter. Criteria: GeneDx Variant Classification Process June 2021. Collection method: clinical testing. Allele origin: germline. Affected: yes.
Comment: Not observed at significant frequency in large population cohorts (gnomAD); Has not been previously published as pathogenic or benign to our knowledge; In silico analysis is inconclusive as to whether the variant alters gene splicing. In the absence of RNA/functional studies, the actual effect of this sequence change is unknown.

NM_013450.4(BAZ2B):c.6354-6T>C

Gene: BAZ2B (bromodomain adjacent to zinc finger domain 2B; minus strand). Cytogenetic location: 2q24.2.
Variant type: single nucleotide variant.
Coding change: c.6354-6T>C on transcript NM_013450.4 (MANE Select); 6 bases into the intron before coding-DNA position 6354, T replaced by C.
Molecular consequence: intron variant.
Genome position (GRCh38, 1-based): chr2:159,320,424, A>G on the plus strand (T>C on the coding strand, the complement: BAZ2B is on the minus strand). VCF-style: chr2-159320424-A-G. GRCh37 (hg19) VCF-style: chr2-160176935-A-G.
Other names: c.6246-6T>C (NM_001289975.1); c.6297-6T>C (NM_001329857.2); c.6279-6T>C (NM_001329858.2).
Identifiers: ClinVar variation 4755797 (VCV004755797.1).